The following is an entry in ClinVar:

ClinVar aggregate classification (germline): Uncertain significance (1 of 4 stars; one submission).

gnomAD v4.1: 1 of 1,209,966 alleles (0.000083%); highest among the groups gnomAD compares: African/African-American, 0.0017%; no homozygotes.

Submission:

GeneDx
Classification: Uncertain significance. Last evaluated: 2024-11-22. Review status: criteria provided, single submitter. Criteria: GeneDx Variant Classification Process June 2021. Collection method: clinical testing. Allele origin: germline. Affected: yes.
Comment: Not observed at significant frequency in large population cohorts (gnomAD); In silico analysis supports that this missense variant has a deleterious effect on protein structure/function; Has not been previously published as pathogenic or benign to our knowledge

NM_001415.4(EIF2S3):c.347A>G (p.Asp116Gly)

Gene: EIF2S3 (eukaryotic translation initiation factor 2 subunit gamma; plus strand). Cytogenetic location: Xp22.11.
Variant type: single nucleotide variant.
Coding change: c.347A>G on transcript NM_001415.4 (MANE Select); coding-DNA position 347, A replaced by G.
Protein change: p.Asp116Gly; replaces aspartic acid 116 with glycine.
Molecular consequence: missense variant.
Genome position (GRCh38, 1-based): chrX:24,057,718, A>G. VCF-style: chrX-24057718-A-G. GRCh37 (hg19) VCF-style: chrX-24075835-A-G.
Other names: short protein forms D116G.
Identifiers: ClinVar variation 3900107 (VCV003900107.1).